The following is an entry in ClinVar:

ClinVar aggregate classification (germline): Likely benign. Review status: criteria provided, single submitter (1 of 4 stars). 2 submissions from 2 submitters: Likely benign (1). 1 of the submissions does not count toward it.

Conditions:
SERPINF2-related disorder. Also called: SERPINF2-related condition.

Allele frequency attached by ClinVar (database versions not stated): gnomAD exomes 0.00009; ExAC 0.00030; 1000 Genomes Project 0.00060; 1000 Genomes Project 30x 0.00062; ESP Exome Variant Server 0.00085; gnomAD 0.00096; TOPMed 0.00113.
gnomAD v4.1: 278 of 1,611,852 alleles (0.017%); highest among the groups gnomAD compares: African/African-American, 0.33%; no homozygotes.

Submissions (2):

Breakthrough Genomics
Classification: Likely benign. Review status: criteria provided, single submitter. Criteria: ACMG Guidelines, 2015. Collection method: not provided. Allele origin: germline. Inheritance: Autosomal recessive inheritance. Affected: yes.

PreventionGenetics, part of Exact Sciences
Classification: Likely benign for SERPINF2-related condition. Last evaluated: 2023-10-03. Review status: no assertion criteria provided. Collection method: clinical testing. Allele origin: germline. Not counted in ClinVar's aggregate classification.
Comment: This variant is classified as likely benign based on ACMG/AMP sequence variant interpretation guidelines (Richards et al. 2015 PMID: 25741868, with internal and published modifications).

NM_000934.4(SERPINF2):c.473G>A (p.Gly158Asp)

Gene: SERPINF2 (serpin family F member 2; plus strand). Cytogenetic location: 17p13.3.
Variant type: single nucleotide variant.
Coding change: c.473G>A on transcript NM_000934.4 (MANE Select); coding-DNA position 473, G replaced by A.
Protein change: p.Gly158Asp; replaces glycine 158 with aspartic acid.
Molecular consequence: missense variant.
Genome position (GRCh38, 1-based): chr17:1,747,124, G>A. VCF-style: chr17-1747124-G-A. GRCh37 (hg19) VCF-style: chr17-1650418-G-A.
Other names: c.473G>A, p.Gly158Asp (NM_001165920.1); c.281G>A, p.Gly94Asp (NM_001165921.2); short protein forms G158D, G94D.
Identifiers: ClinVar variation 3038248 (VCV003038248.3), dbSNP rs141696263, ClinGen allele CA8274198.
Genomic context (GRCh38, chr17:1,747,124, plus strand): 5'-CAGGCTCAGGGCCCTGCCTCCCCCATCTGCTGAGCCGCCTCTGCCAGGACCTGGGCCCCG[G>A]CGCGTTCCGACTGGCTGCCAGGATGTACCTGCAGAAAGGTAGGCGCTGATGGCAGGGAGC-3'
Protein context (NP_000925.2, residues 148-168): LSRLCQDLGP[Gly158Asp]AFRLAARMYL